The following is an entry in ClinVar:

NM_001365999.1(SZT2):c.5666C>T (p.Ala1889Val)

Gene: SZT2 (SZT2 subunit of KICSTOR complex; plus strand). Cytogenetic location: 1p34.2.
Variant type: single nucleotide variant.
Coding change: c.5666C>T on transcript NM_001365999.1 (MANE Select); coding-DNA position 5666, C replaced by T.
Protein change: p.Ala1889Val; replaces alanine 1889 with valine.
Molecular consequence: missense variant.
Genome position (GRCh38, 1-based): chr1:43,433,052, C>T. VCF-style: chr1-43433052-C-T. GRCh37 (hg19) VCF-style: chr1-43898723-C-T.
Other names: c.5495C>T, p.Ala1832Val (NM_015284.4); short protein forms A1832V, A1889V.
Identifiers: ClinVar variation 1055105 (VCV001055105.6), dbSNP rs772792017, ClinGen allele CA340026088.

ClinVar aggregate classification (germline): Uncertain significance (1 of 4 stars; one submission).

gnomAD v4.1: 2 of 1,613,982 alleles (0.00012%); highest among the groups gnomAD compares: Admixed American, 0.0033%; no homozygotes.

Submission:

Labcorp Genetics (formerly Invitae), Labcorp
Classification: Uncertain significance. Last evaluated: 2022-09-19. Review status: criteria provided, single submitter. Criteria: Invitae Variant Classification Sherloc (09022015). Collection method: clinical testing. Allele origin: germline.
Comment: This sequence change replaces alanine, which is neutral and non-polar, with valine, which is neutral and non-polar, at codon 1832 of the SZT2 protein (p.Ala1832Val). This variant is not present in population databases (gnomAD no frequency). This variant has not been reported in the literature in individuals affected with SZT2-related conditions. ClinVar contains an entry for this variant (Variation ID: 1055105). Advanced modeling of protein sequence and biophysical properties (such as structural, functional, and spatial information, amino acid conservation, physicochemical variation, residue mobility, and thermodynamic stability) performed at Invitae indicates that this missense variant is not expected to disrupt SZT2 protein function. Algorithms developed to predict the effect of sequence changes on RNA splicing suggest that this variant may create or strengthen a splice site. In summary, the available evidence is currently insufficient to determine the role of this variant in disease. Therefore, it has been classified as a Variant of Uncertain Significance.